The following is an entry in ClinVar:

NM_002439.5(MSH3):c.2093A>G (p.Asp698Gly)

Gene: MSH3 (mutS homolog 3; plus strand). Cytogenetic location: 5q14.1.
Variant type: single nucleotide variant.
Coding change: c.2093A>G on transcript NM_002439.5 (MANE Select); coding-DNA position 2093, A replaced by G.
Protein change: p.Asp698Gly; replaces aspartic acid 698 with glycine.
Molecular consequence: missense variant.
Genome position (GRCh38, 1-based): chr5:80,768,843, A>G. VCF-style: chr5-80768843-A-G. GRCh37 (hg19) VCF-style: chr5-80064662-A-G.
Other names: c.2093A>G (NM_002439.3); short protein forms D698G.
Identifiers: ClinVar variation 2819426 (VCV002819426.4), dbSNP rs1011582720, ClinGen allele CA121320625.

ClinVar aggregate classification (germline): Uncertain significance. Review status: criteria provided, multiple submitters, no conflicts (2 of 4 stars). 2 submissions from 2 submitters: Uncertain significance (2). Last evaluated 2025-06-25.

Conditions:
Hereditary cancer-predisposing syndrome. Also called: Neoplastic Syndromes, Hereditary; Tumor predisposition; Hereditary Cancer Syndrome; Hereditary neoplastic syndrome. Identifiers: Orphanet 140162, MedGen C0027672, MeSH D009386, MONDO:0015356.

Allele frequency attached by ClinVar (database versions not stated): gnomAD exomes below 0.00001; TOPMed 0.00001.
gnomAD v4.1: 2 of 1,606,270 alleles (0.00012%); highest among the groups gnomAD compares: Non-Finnish European, 0.000085%; no homozygotes.

Submissions (2):

Labcorp Genetics (formerly Invitae), Labcorp
Classification: Uncertain significance. Last evaluated: 2025-06-25. Review status: criteria provided, single submitter. Criteria: Invitae Variant Classification Sherloc (09022015). Collection method: clinical testing. Allele origin: germline.
Comment: This sequence change replaces aspartic acid, which is acidic and polar, with glycine, which is neutral and non-polar, at codon 698 of the MSH3 protein (p.Asp698Gly). This variant is present in population databases (no rsID available, gnomAD 0.0009%). This variant has not been reported in the literature in individuals affected with MSH3-related conditions. ClinVar contains an entry for this variant (Variation ID: 2819426). An algorithm developed to predict the effect of missense changes on protein structure and function (PolyPhen-2) suggests that this variant is likely to be disruptive. RNA analysis performed to evaluate the impact of this missense change on mRNA splicing indicates it does not significantly alter splicing (internal data). In summary, the available evidence is currently insufficient to determine the role of this variant in disease. Therefore, it has been classified as a Variant of Uncertain Significance.

Ambry Genetics
Classification: Uncertain significance for Hereditary cancer-predisposing syndrome. Last evaluated: 2023-12-14. Review status: criteria provided, single submitter. Criteria: Ambry Variant Classification Scheme 2023. Collection method: clinical testing. Allele origin: germline.
Comment: The p.D698G variant (also known as c.2093A>G), located in coding exon 15 of the MSH3 gene, results from an A to G substitution at nucleotide position 2093. The aspartic acid at codon 698 is replaced by glycine, an amino acid with similar properties. This amino acid position is conserved. In addition, the in silico prediction for this alteration is inconclusive. Since supporting evidence is limited at this time, the clinical significance of this alteration remains unclear.